The following is an entry in ClinVar:

NM_018082.6(POLR3B):c.11T>G (p.Leu4Arg)

Gene: POLR3B (RNA polymerase III subunit B; plus strand). Cytogenetic location: 12q23.3.
Variant type: single nucleotide variant.
Coding change: c.11T>G on transcript NM_018082.6 (MANE Select); coding-DNA position 11, T replaced by G.
Protein change: p.Leu4Arg; replaces leucine 4 with arginine.
Molecular consequence: missense variant.
Genome position (GRCh38, 1-based): chr12:106,357,890, T>G. VCF-style: chr12-106357890-T-G. GRCh37 (hg19) VCF-style: chr12-106751668-T-G.
Other names: short protein forms L4R.
Identifiers: ClinVar variation 5009982 (VCV005009982.1).

ClinVar aggregate classification (germline): Uncertain significance (1 of 4 stars; one submission).

gnomAD v4.1: 1 of 1,613,694 alleles (0.000062%); highest among the groups gnomAD compares: Non-Finnish European, 0.000085%; no homozygotes.

Submission:

GeneDx
Classification: Uncertain significance. Last evaluated: 2026-02-12. Review status: criteria provided, single submitter. Criteria: GeneDx Variant Classification Process June 2021. Collection method: clinical testing. Allele origin: germline.
Comment: Not observed at significant frequency in large population cohorts (gnomAD); In silico analysis suggests that this missense variant does not alter protein structure/function; Has not been previously published as pathogenic or benign to our knowledge